The following is an entry in ClinVar:

ClinVar aggregate classification (germline): Uncertain significance (1 of 4 stars; one submission).

Submission:

Labcorp Genetics (formerly Invitae), Labcorp
Classification: Uncertain significance. Last evaluated: 2024-11-22. Review status: criteria provided, single submitter. Criteria: Invitae Variant Classification Sherloc (09022015). Collection method: clinical testing. Allele origin: germline.
Comment: This sequence change replaces phenylalanine, which is neutral and non-polar, with leucine, which is neutral and non-polar, at codon 402 of the MSH3 protein (p.Phe402Leu). This variant is not present in population databases (gnomAD no frequency). This variant has not been reported in the literature in individuals affected with MSH3-related conditions. An algorithm developed to predict the effect of missense changes on protein structure and function outputs the following: PolyPhen-2: "Benign". The leucine amino acid residue is found in multiple mammalian species, which suggests that this missense change does not adversely affect protein function. In summary, the available evidence is currently insufficient to determine the role of this variant in disease. Therefore, it has been classified as a Variant of Uncertain Significance.

NM_002439.5(MSH3):c.1206T>G (p.Phe402Leu)

Gene: MSH3 (mutS homolog 3; plus strand). Cytogenetic location: 5q14.1.
Variant type: single nucleotide variant.
Coding change: c.1206T>G on transcript NM_002439.5 (MANE Select); coding-DNA position 1206, T replaced by G.
Protein change: p.Phe402Leu; replaces phenylalanine 402 with leucine.
Molecular consequence: missense variant.
Genome position (GRCh38, 1-based): chr5:80,678,959, T>G. VCF-style: chr5-80678959-T-G. GRCh37 (hg19) VCF-style: chr5-79974778-T-G.
Other names: short protein forms F402L.
Identifiers: ClinVar variation 3725818 (VCV003725818.2).